The following is an entry in ClinVar:

NM_002524.5(NRAS):c.461A>G (p.Asp154Gly)

Gene: NRAS (NRAS proto-oncogene, GTPase; minus strand). Cytogenetic location: 1p13.2.
Variant type: single nucleotide variant.
Coding change: c.461A>G on transcript NM_002524.5 (MANE Select); coding-DNA position 461, A replaced by G.
Protein change: p.Asp154Gly; replaces aspartic acid 154 with glycine.
Molecular consequence: missense variant.
Genome position (GRCh38, 1-based): chr1:114,708,644, T>C on the plus strand (A>G on the coding strand, the complement: NRAS is on the minus strand). VCF-style: chr1-114708644-T-C. GRCh37 (hg19) VCF-style: chr1-115251265-T-C.
Other names: c.461A>G (NM_002524.3); short protein forms D154G.
Identifiers: ClinVar variation 477665 (VCV000477665.10), dbSNP rs1429449890, ClinGen allele CA341738894.
Genomic context (GRCh38, chr1:114,708,644, plus strand): 5'-CTGCTGTTGAGTTTTTTCATTCGGTACTGGCGTATTTCTCTTACCAGTGTGTAAAAAGCA[T>C]CTTCAACACCCTATAAAAGGAAAAAATGAAAAAAAATGAGAGAGCTAGCTCAACGGACAC-3'
Protein context (NP_002515.1, residues 144-164): TSAKTRQGVE[Asp154Gly]AFYTLVREIR

ClinVar aggregate classification (germline): Uncertain significance. Review status: criteria provided, multiple submitters, no conflicts (2 of 4 stars). 2 submissions from 2 submitters: Uncertain significance (2). Last evaluated 2025-07-08.

Conditions:
RASopathy. Also called: rasopathies; Noonan spectrum disorder. Identifiers: Orphanet 536391, MedGen C5555857, MONDO:0021060.

Allele frequency attached by ClinVar (database versions not stated): gnomAD exomes below 0.00001; TOPMed below 0.00001.

Submissions (2):

GeneDx
Classification: Uncertain significance. Last evaluated: 2025-07-08. Review status: criteria provided, single submitter. Criteria: GeneDx Variant Classification Process June 2021. Collection method: clinical testing. Allele origin: germline.
Comment: Not observed at significant frequency in large population cohorts (gnomAD); In silico analysis supports that this missense variant has a deleterious effect on protein structure/function; Missense variants in this gene are a common cause of disease and they are underrepresented in the general population; Has not been previously published as pathogenic or benign to our knowledge

Labcorp Genetics (formerly Invitae), Labcorp
Classification: Uncertain significance for RASopathy. Last evaluated: 2020-03-05. Review status: criteria provided, single submitter. Criteria: Invitae Variant Classification Sherloc (09022015). Collection method: clinical testing. Allele origin: germline.
Comment: This sequence change replaces aspartic acid with glycine at codon 154 of the NRAS protein (p.Asp154Gly). The aspartic acid residue is highly conserved and there is a moderate physicochemical difference between aspartic acid and glycine. This variant is not present in population databases (ExAC no frequency) and has not been reported in the literature in individuals with a NRAS-related disease. Algorithms developed to predict the effect of missense changes on protein structure and function do not agree on the potential impact of this missense change (SIFT: "Deleterious"; PolyPhen-2: "Possibly Damaging"; Align-GVGD: "Class C0"). Algorithms developed to predict the effect of sequence changes on RNA splicing suggest that this variant may alter RNA splicing, but this prediction has not been confirmed by published transcriptional studies. In summary, this variant is a novel missense change with uncertain impact on protein function. It has been classified as a Variant of Uncertain Significance.